The following is an entry in ClinVar:

ClinVar aggregate classification (germline): Uncertain significance. Review status: criteria provided, multiple submitters, no conflicts (2 of 4 stars). 2 submissions from 2 submitters: Uncertain significance (2). Last evaluated 2023-08-04.

Conditions:
Emery-Dreifuss muscular dystrophy 5, autosomal dominant (EDMD5). Also called: EMERY-DREIFUSS MUSCULAR DYSTROPHY 5. Identifiers: Orphanet 261, MedGen C2751805, MONDO:0013072, OMIM 612999.

Allele frequency attached by ClinVar (database versions not stated): gnomAD 0.00001; ExAC 0.00002; gnomAD exomes 0.00002; TOPMed 0.00002; 1000 Genomes Project 0.00020; 1000 Genomes Project 30x 0.00031.
gnomAD v4.1: 26 of 1,614,140 alleles (0.0016%); highest among the groups gnomAD compares: Middle Eastern, 0.066%; 1 homozygote.

Submissions (2):

Blueprint Genetics
Classification: Uncertain significance. Last evaluated: 2023-08-04. Review status: criteria provided, single submitter. Criteria: ACMG Guidelines, 2015. Collection method: clinical testing. Allele origin: germline.

Labcorp Genetics (formerly Invitae), Labcorp
Classification: Uncertain significance for Emery-Dreifuss muscular dystrophy 5, autosomal dominant. Last evaluated: 2022-05-15. Review status: criteria provided, single submitter. Criteria: Invitae Variant Classification Sherloc (09022015). Collection method: clinical testing. Allele origin: germline.
Comment: ClinVar contains an entry for this variant (Variation ID: 180534). Algorithms developed to predict the effect of missense changes on protein structure and function (SIFT, PolyPhen-2, Align-GVGD) all suggest that this variant is likely to be tolerated. In summary, the available evidence is currently insufficient to determine the role of this variant in disease. Therefore, it has been classified as a Variant of Uncertain Significance. This variant has not been reported in the literature in individuals affected with SYNE2-related conditions. This sequence change replaces serine, which is neutral and polar, with phenylalanine, which is neutral and non-polar, at codon 6877 of the SYNE2 protein (p.Ser6877Phe). This variant is present in population databases (rs548596262, gnomAD 0.01%).

NM_182914.3(SYNE2):c.20630C>T (p.Ser6877Phe)

Gene: SYNE2 (spectrin repeat containing nuclear envelope protein 2; plus strand). Cytogenetic location: 14q23.2.
Variant type: single nucleotide variant.
Coding change: c.20630C>T on transcript NM_182914.3 (MANE Select); coding-DNA position 20630, C replaced by T.
Protein change: p.Ser6877Phe; replaces serine 6877 with phenylalanine.
Molecular consequence: missense variant.
Genome position (GRCh38, 1-based): chr14:64,225,432, C>T. VCF-style: chr14-64225432-C-T. GRCh37 (hg19) VCF-style: chr14-64692150-C-T.
Other names: c.20564C>T, p.Ser6855Phe (NM_015180.6); c.1196C>T, p.Ser399Phe (NM_182910.2); c.1577C>T, p.Ser526Phe (NM_182913.4); short protein forms S6877F, S526F, S399F, S6855F.
Identifiers: ClinVar variation 180534 (VCV000180534.7), dbSNP rs548596262, ClinGen allele CA346683.